The following is an entry in ClinVar:

NM_001458.5(FLNC):c.8033C>G (p.Pro2678Arg)

Genes: FLNC-AS1 (FLNC antisense RNA 1; minus strand), FLNC (filamin C; plus strand). Cytogenetic location: 7q32.1.
Variant type: single nucleotide variant.
Coding change: c.8033C>G on transcript NM_001458.5 (MANE Select); coding-DNA position 8033, C replaced by G.
Protein change: p.Pro2678Arg; replaces proline 2678 with arginine.
Molecular consequence: missense variant.
Genome position (GRCh38, 1-based): chr7:128,858,378, C>G. VCF-style: chr7-128858378-C-G. GRCh37 (hg19) VCF-style: chr7-128498432-C-G.
Other names: c.7934C>G, p.Pro2645Arg (NM_001127487.2); short protein forms P2645R, P2678R.
Identifiers: ClinVar variation 4812363 (VCV004812363.1).

ClinVar aggregate classification (germline): Uncertain significance (1 of 4 stars; one submission).

Conditions:
Myofibrillar myopathy 5. Also called: FILAMINOPATHY, AUTOSOMAL DOMINANT; Filaminopathy (type). Identifiers: Orphanet 171445, MedGen C1836050, MONDO:0012289, OMIM 609524.
Distal myopathy with posterior leg and anterior hand involvement. Also called: WILLIAMS DISTAL MYOPATHY. Identifiers: Orphanet 63273, MedGen C3279722, MONDO:0013550, OMIM 614065.
Hypertrophic cardiomyopathy 26. Also called: Cardiomyopathy, familial hypertrophic, 26. Identifiers: Orphanet 75249, MedGen C4310749, MONDO:0014883, OMIM 617047.

Submission:

Labcorp Genetics (formerly Invitae), Labcorp
Classification: Uncertain significance for Distal myopathy with posterior leg and anterior hand involvement; Myofibrillar myopathy 5; Hypertrophic cardiomyopathy 26. Last evaluated: 2025-08-13. Review status: criteria provided, single submitter. Criteria: Invitae Variant Classification Sherloc (09022015). Collection method: clinical testing. Allele origin: germline.
Comment: This sequence change replaces proline, which is neutral and non-polar, with arginine, which is basic and polar, at codon 2678 of the FLNC protein (p.Pro2678Arg). This variant is not present in population databases (gnomAD no frequency). This variant has not been reported in the literature in individuals affected with FLNC-related conditions. Invitae Evidence Modeling of protein sequence and biophysical properties (such as structural, functional, and spatial information, amino acid conservation, physicochemical variation, residue mobility, and thermodynamic stability) indicates that this missense variant is not expected to disrupt FLNC protein function with a negative predictive value of 95%. In summary, the available evidence is currently insufficient to determine the role of this variant in disease. Therefore, it has been classified as a Variant of Uncertain Significance.